The following is an entry in ClinVar:

ClinVar aggregate classification (germline): Likely benign. Review status: criteria provided, multiple submitters, no conflicts (2 of 4 stars). 3 submissions from 3 submitters: Likely benign (2). 1 of the submissions does not count toward it. Last evaluated 2025-11-08.

Conditions:
Cardiovascular phenotype. Identifiers: MedGen CN230736.
APOC2-related disorder. Also called: APOC2-related condition.

Allele frequency attached by ClinVar (database versions not stated): TOPMed 0.00005; 1000 Genomes Project 0.00060; gnomAD 0.00005; gnomAD exomes 0.00007; ExAC 0.00014; 1000 Genomes Project 30x 0.00047.

Submissions (3):

Labcorp Genetics (formerly Invitae), Labcorp
Classification: Likely benign. Last evaluated: 2025-11-08. Review status: criteria provided, single submitter. Criteria: Invitae Variant Classification Sherloc (09022015). Collection method: clinical testing. Allele origin: germline.

Ambry Genetics
Classification: Likely benign for Cardiovascular phenotype. Last evaluated: 2019-05-23. Review status: criteria provided, single submitter. Criteria: Ambry Variant Classification Scheme 2023. Collection method: clinical testing. Allele origin: germline.

PreventionGenetics, part of Exact Sciences
Classification: Likely benign for APOC2-related condition. Last evaluated: 2019-07-03. Review status: no assertion criteria provided. Collection method: clinical testing. Allele origin: germline. Not counted in ClinVar's aggregate classification.
Comment: This variant is classified as likely benign based on ACMG/AMP sequence variant interpretation guidelines (Richards et al. 2015 PMID: 25741868, with internal and published modifications).

NM_000483.5(APOC2):c.162C>T (p.Ala54=)

Genes: APOC2 (apolipoprotein C2; plus strand), APOC4-APOC2 (APOC4-APOC2 readthrough (NMD candidate); plus strand). Cytogenetic location: 19q13.32.
Variant type: single nucleotide variant.
Coding change: c.162C>T on transcript NM_000483.5 (MANE Select); coding-DNA position 162, C replaced by T.
Protein change: p.Ala54=; no amino-acid change (alanine 54 retained).
Molecular consequence: synonymous variant. On other transcripts: non-coding transcript variant (1).
Genome position (GRCh38, 1-based): chr19:44,948,807, C>T. VCF-style: chr19-44948807-C-T. GRCh37 (hg19) VCF-style: chr19-45452064-C-T.
Identifiers: ClinVar variation 1776786 (VCV001776786.6), dbSNP rs535665191, ClinGen allele CA9506612.